The following is an entry in ClinVar:

NM_000074.3(CD40LG):c.148T>C (p.Leu50=)

Gene: CD40LG (CD40 ligand; plus strand). Cytogenetic location: Xq26.3.
Variant type: single nucleotide variant.
Coding change: c.148T>C on transcript NM_000074.3 (MANE Select); coding-DNA position 148, T replaced by C.
Protein change: p.Leu50=; no amino-acid change (leucine 50 retained).
Molecular consequence: synonymous variant.
Genome position (GRCh38, 1-based): chrX:136,648,396, T>C. VCF-style: chrX-136648396-T-C. GRCh37 (hg19) VCF-style: chrX-135730555-T-C.
Other names: p.Leu50=.
Identifiers: ClinVar variation 518406 (VCV000518406.17), dbSNP rs1126535, ClinGen allele CA10528071.

ClinVar aggregate classification (germline): Benign/Likely benign. Review status: criteria provided, multiple submitters, no conflicts (2 of 4 stars). 8 submissions from 8 submitters: Benign (5); Likely benign (1). 2 of the submissions do not count toward it. Last evaluated 2026-02-04.

Conditions:
Hyper-IgM syndrome type 1. Also called: CD40 Ligand Deficiency; X-linked hyper-IgM syndrome; Immunodeficiency, X-linked, with hyper-IgM; Hyper-IgM Immunodeficiency Syndrome, Type 1. Identifiers: Orphanet 101088, MedGen C0398689, MONDO:0010626, OMIM 308230.

Allele frequency attached by ClinVar (database versions not stated): gnomAD exomes 0.23924 and 0.19722; ESP Exome Variant Server 0.17258; gnomAD 0.18453 and 0.18923; TOPMed 0.20437; 1000 Genomes Project 0.22490; ExAC 0.22953; 1000 Genomes Project 30x 0.23247.
gnomAD v4.1: 237,172 of 1,207,132 alleles (20%); highest among the groups gnomAD compares: Admixed American, 47%; 17,805 homozygotes.

Submissions (8):

Labcorp Genetics (formerly Invitae), Labcorp
Classification: Benign for Hyper-IgM syndrome type 1. Last evaluated: 2026-02-04. Review status: criteria provided, single submitter. Criteria: Invitae Variant Classification Sherloc (09022015). Collection method: clinical testing. Allele origin: germline.

Blueprint Genetics
Classification: Likely benign. Last evaluated: 2024-11-28. Review status: criteria provided, single submitter. Criteria: ACMG Guidelines, 2015. Collection method: clinical testing. Allele origin: germline.

Unidad de Genómica Garrahan, Hospital de Pediatría Garrahan
Classification: Benign. Last evaluated: 2024-01-24. Review status: criteria provided, single submitter. Criteria: ACMG Guidelines, 2015. Collection method: clinical testing. Allele origin: germline. Affected: no. Observed: 58 variant alleles.
Comment: This variant is classified as Benign based on local population frequency. This variant was detected in 61% of patients studied by a panel of primary immunodeficiencies. Number of patients: 58. Only high quality variants are reported.

Mayo Clinic Laboratories, Mayo Clinic
Classification: Benign. Last evaluated: 2018-05-16. Review status: criteria provided, single submitter. Criteria: ACMG Guidelines, 2015. Collection method: clinical testing. Allele origin: germline. Observed: 426 variant alleles.

GeneDx
Classification: Benign. Last evaluated: 2015-03-03. Review status: criteria provided, single submitter. Criteria: GeneDx Variant Classification Process June 2021. Collection method: clinical testing. Allele origin: germline. Affected: yes.

Breakthrough Genomics
Classification: Benign. Review status: criteria provided, single submitter. Criteria: ACMG Guidelines, 2015. Collection method: not provided. Allele origin: germline. Inheritance: X-linked inheritance. Affected: yes.

Diagnostic Laboratory, Department of Genetics, University Medical Center Groningen
Classification: Benign for Hyper-IgM syndrome type 1. Review status: no assertion criteria provided. Collection method: clinical testing. Allele origin: germline. Affected: yes. Study: VKGL Data-share Consensus. Not counted in ClinVar's aggregate classification.

Genome Diagnostics Laboratory, University Medical Center Utrecht
Classification: Benign. Review status: no assertion criteria provided. Collection method: clinical testing. Allele origin: germline. Affected: yes. Study: VKGL Data-share Consensus. Not counted in ClinVar's aggregate classification.